The following is an entry in ClinVar:

ClinVar aggregate classification (germline): Likely benign (1 of 4 stars; one submission).

Conditions:
Spinocerebellar ataxia type 28 (SCA28). Also called: Spinocerebellar Ataxia Type 28 (SCA28). Identifiers: Orphanet 101109, MedGen C1853249, MONDO:0012450, OMIM 610246.

Allele frequency attached by ClinVar (database versions not stated): gnomAD exomes 0.00001 and 0.00005; TOPMed 0.00001; ExAC 0.00002.
gnomAD v4.1: 32 of 1,614,228 alleles (0.002%); highest among the groups gnomAD compares: East Asian, 0.071%; no homozygotes.

Submission:

Illumina Laboratory Services, Illumina
Classification: Likely benign for Spinocerebellar ataxia type 28. Last evaluated: 2018-01-13. Review status: criteria provided, single submitter. Criteria: ICSL Variant Classification Criteria 13 December 2019. Collection method: clinical testing. Allele origin: germline.
Comment: This variant was observed in the ICSL laboratory as part of a predisposition screen in an ostensibly healthy population. It had not been previously curated by ICSL or reported in the Human Gene Mutation Database (HGMD: prior to June 1st, 2018), and was therefore a candidate for classification through an automated scoring system. Utilizing variant allele frequency, disease prevalence and penetrance estimates, and inheritance mode, an automated score was calculated to assess if this variant is too frequent to cause the disease. Based on the score and internal cut-off values, a variant classified as likely benign is not then subjected to further curation. The score for this variant resulted in a classification of likely benign for this disease.

NM_006796.3(AFG3L2):c.1089A>G (p.Gly363=)

Gene: AFG3L2 (AFG3 like matrix AAA peptidase subunit 2; minus strand). Cytogenetic location: 18p11.21.
Variant type: single nucleotide variant.
Coding change: c.1089A>G on transcript NM_006796.3 (MANE Select); coding-DNA position 1089, A replaced by G.
Protein change: p.Gly363=; no amino-acid change (glycine 363 retained).
Molecular consequence: synonymous variant.
Genome position (GRCh38, 1-based): chr18:12,356,769, T>C on the plus strand (A>G on the coding strand, the complement: AFG3L2 is on the minus strand). VCF-style: chr18-12356769-T-C. GRCh37 (hg19) VCF-style: chr18-12356768-T-C.
Identifiers: ClinVar variation 891340 (VCV000891340.4), dbSNP rs747246135, ClinGen allele CA8896596.